The following is an entry in ClinVar:

NM_005618.4(DLL1):c.1174C>T (p.Arg392Cys)

Gene: DLL1 (delta like canonical Notch ligand 1; minus strand). Cytogenetic location: 6q27.
Variant type: single nucleotide variant.
Coding change: c.1174C>T on transcript NM_005618.4 (MANE Select); coding-DNA position 1174, C replaced by T.
Protein change: p.Arg392Cys; replaces arginine 392 with cysteine.
Molecular consequence: missense variant.
Genome position (GRCh38, 1-based): chr6:170,284,994, G>A on the plus strand (C>T on the coding strand, the complement: DLL1 is on the minus strand). VCF-style: chr6-170284994-G-A. GRCh37 (hg19) VCF-style: chr6-170594082-G-A.
Other names: c.1174C>T (NM_005618.3); short protein forms R392C.
Identifiers: ClinVar variation 1489722 (VCV001489722.11), dbSNP rs1165017188, ClinGen allele CA366507858.

ClinVar aggregate classification (germline): Uncertain significance. Review status: criteria provided, multiple submitters, no conflicts (2 of 4 stars). 4 submissions from 4 submitters: Uncertain significance (4). Last evaluated 2025-07-15.

Conditions:
Neurodevelopmental disorder with nonspecific brain abnormalities and with or without seizures. Identifiers: MedGen C5231470, MONDO:0032877, OMIM 618709.
Inborn genetic diseases. Identifiers: MedGen C0950123, MeSH D030342.

Allele frequency attached by ClinVar (database versions not stated): gnomAD exomes below 0.00001 and 0.00001; gnomAD 0.00001.

Submissions (4):

Ambry Genetics
Classification: Uncertain significance for Inborn genetic diseases. Last evaluated: 2025-07-15. Review status: criteria provided, single submitter. Criteria: Ambry Variant Classification Scheme 2023. Collection method: clinical testing. Allele origin: germline.

Labcorp Genetics (formerly Invitae), Labcorp
Classification: Uncertain significance. Last evaluated: 2024-10-30. Review status: criteria provided, single submitter. Criteria: Invitae Variant Classification Sherloc (09022015). Collection method: clinical testing. Allele origin: germline.
Comment: This sequence change replaces arginine, which is basic and polar, with cysteine, which is neutral and slightly polar, at codon 392 of the DLL1 protein (p.Arg392Cys). This variant is present in population databases (no rsID available, gnomAD 0.0009%). This variant has not been reported in the literature in individuals affected with DLL1-related conditions. ClinVar contains an entry for this variant (Variation ID: 1489722). An algorithm developed to predict the effect of missense changes on protein structure and function (PolyPhen-2) suggests that this variant is likely to be disruptive. In summary, the available evidence is currently insufficient to determine the role of this variant in disease. Therefore, it has been classified as a Variant of Uncertain Significance.

Blueprint Genetics
Classification: Uncertain significance. Last evaluated: 2022-03-14. Review status: criteria provided, single submitter. Criteria: ACMG Guidelines, 2015. Collection method: clinical testing. Allele origin: germline.

New York Genome Center
Classification: Uncertain significance for Neurodevelopmental disorder with nonspecific brain abnormalities and with or without seizures. Last evaluated: 2021-06-23. Review status: criteria provided, single submitter. Criteria: NYGC Assertion Criteria 2020. Collection method: clinical testing. Allele origin: inherited. Observed: 1 heterozygote. Study: CSER-NYCKidSeq.